The following is an entry in ClinVar:

ClinVar aggregate classification (germline): Benign (1 of 4 stars; one submission).

Allele frequency attached by ClinVar (database versions not stated): TOPMed 0.06913; gnomAD 0.07170 and 0.07539; 1000 Genomes Project 30x 0.09510; 1000 Genomes Project 0.09964.
gnomAD v4.1: 11,439 of 152,016 alleles (7.5%); highest among the groups gnomAD compares: South Asian, 18%; 510 homozygotes.

Submission:

GeneDx
Classification: Benign. Last evaluated: 2018-06-19. Review status: criteria provided, single submitter. Criteria: GeneDx Variant Classification (06012015). Collection method: clinical testing. Allele origin: germline. Affected: yes.
Comment: This variant is considered likely benign or benign based on one or more of the following criteria: it is a conservative change, it occurs at a poorly conserved position in the protein, it is predicted to be benign by multiple in silico algorithms, and/or has population frequency not consistent with disease.

NM_016373.4(WWOX):c.517-296A>G

Gene: WWOX (WW domain containing oxidoreductase; plus strand). Cytogenetic location: 16q23.1.
Variant type: single nucleotide variant.
Coding change: c.517-296A>G on transcript NM_016373.4 (MANE Select); 296 bases into the intron before coding-DNA position 517, A replaced by G.
Molecular consequence: intron variant.
Genome position (GRCh38, 1-based): chr16:78,386,564, A>G. VCF-style: chr16-78386564-A-G. GRCh37 (hg19) VCF-style: chr16-78420461-A-G.
Other names: c.178-296A>G (NM_001291997.2).
Identifiers: ClinVar variation 671987 (VCV000671987.1), dbSNP rs72796085, ClinGen allele CA284566822.
Genomic context (GRCh38, chr16:78,386,564, plus strand): 5'-CGAGGCGTTGTCGTGCATTCCCCTCCTTACAGCGTTTTAGGATGCAGATTGAGAGGAGAT[A>G]ACGTTAGCCCGAAGCGCCTTTGCAGCCTCTTTTGCGCGGCTGAAACACAGCACAACCCAC-3'